The following is an entry in ClinVar:

NM_001256447.2(BCAP31):c.722T>C (p.Met241Thr)

Gene: BCAP31 (B cell receptor associated protein 31; minus strand). Cytogenetic location: Xq28.
Variant type: single nucleotide variant.
Coding change: c.722T>C on transcript NM_001256447.2 (MANE Select); coding-DNA position 722, T replaced by C.
Protein change: p.Met241Thr; replaces methionine 241 with threonine.
Molecular consequence: missense variant.
Genome position (GRCh38, 1-based): chrX:153,700,956, A>G on the plus strand (T>C on the coding strand, the complement: BCAP31 is on the minus strand). VCF-style: chrX-153700956-A-G. GRCh37 (hg19) VCF-style: chrX-152966411-A-G.
Other names: c.722T>C, p.Met241Thr (NM_001139441.1, NM_005745.8); c.923T>C, p.Met308Thr (NM_001139457.2); short protein forms M241T, M308T.
Identifiers: ClinVar variation 1965331 (VCV001965331.5), dbSNP rs2522184863, ClinGen allele CA415092964.

ClinVar aggregate classification (germline): Uncertain significance (1 of 4 stars; one submission).

Allele frequency attached by ClinVar (database versions not stated): gnomAD exomes below 0.00001.
gnomAD v4.1: 1 of 1,207,625 alleles (0.000083%); highest among the groups gnomAD compares: African/African-American, 0.0017%; no homozygotes.

Submission:

Labcorp Genetics (formerly Invitae), Labcorp
Classification: Uncertain significance. Last evaluated: 2022-05-10. Review status: criteria provided, single submitter. Criteria: Invitae Variant Classification Sherloc (09022015). Collection method: clinical testing. Allele origin: germline.
Comment: In summary, the available evidence is currently insufficient to determine the role of this variant in disease. Therefore, it has been classified as a Variant of Uncertain Significance. Algorithms developed to predict the effect of missense changes on protein structure and function output the following: SIFT: "Tolerated"; PolyPhen-2: "Benign"; Align-GVGD: "Class C0". The threonine amino acid residue is found in multiple mammalian species, which suggests that this missense change does not adversely affect protein function. This variant has not been reported in the literature in individuals affected with BCAP31-related conditions. This variant is not present in population databases (gnomAD no frequency). This sequence change replaces methionine, which is neutral and non-polar, with threonine, which is neutral and polar, at codon 241 of the BCAP31 protein (p.Met241Thr).